The following is an entry in ClinVar:

NM_152296.5(ATP1A3):c.2302T>C (p.Tyr768His)

Gene: ATP1A3 (ATPase Na+/K+ transporting subunit alpha 3; minus strand). Cytogenetic location: 19q13.2.
Variant type: single nucleotide variant.
Coding change: c.2302T>C on transcript NM_152296.5 (MANE Select); coding-DNA position 2302, T replaced by C.
Protein change: p.Tyr768His; replaces tyrosine 768 with histidine.
Molecular consequence: missense variant.
Genome position (GRCh38, 1-based): chr19:41,970,504, A>G on the plus strand (T>C on the coding strand, the complement: ATP1A3 is on the minus strand). VCF-style: chr19-41970504-A-G. GRCh37 (hg19) VCF-style: chr19-42474656-A-G.
Other names: c.2335T>C, p.Tyr779His (NM_001256213.2); c.2341T>C, p.Tyr781His (NM_001256214.2); short protein forms Y768H, Y779H, Y781H.
Identifiers: ClinVar variation 1800698 (VCV001800698.2), dbSNP rs2514033291, ClinGen allele CA406039657.
Genomic context (GRCh38, chr19:41,970,504, plus strand): 5'-TGTTGGCCATGATGAACAGCAGGAAGGGCGTGATCTCCGGGATATTGCTGGTCAGGGTGT[A>G]GGCAATGGACTTCTTTAGGTTGTCGAAGATCAGGCGGCCTGTGGCACAGGCAGGCTCAGA-3'
Protein context (NP_689509.1, residues 758-778): IFDNLKKSIA[Tyr768His]TLTSNIPEIT

ClinVar aggregate classification (germline): Likely pathogenic (1 of 4 stars; one submission).

Submission:

GeneDx
Classification: Likely pathogenic. Last evaluated: 2024-02-08. Review status: criteria provided, single submitter. Criteria: GeneDx Variant Classification Process June 2021. Collection method: clinical testing. Allele origin: germline.
Comment: Identified in individuals with alternating hemiplegia of childhood in the published literature (PMID: 25996915; 32951661); In silico analysis supports that this missense variant has a deleterious effect on protein structure/function; Not observed at significant frequency in large population cohorts (gnomAD); This variant is associated with the following publications: (PMID: 32951661, 25996915, 27577505, 35390560)